The following is an entry in ClinVar:

ClinVar aggregate classification (germline): Uncertain significance (1 of 4 stars; one submission).

Conditions:
Erythrocytosis, familial, 3 (ECYT3). Identifiers: Orphanet 247511, MedGen C1853286, MONDO:0012353, OMIM 609820.

Submission:

Labcorp Genetics (formerly Invitae), Labcorp
Classification: Uncertain significance for Erythrocytosis, familial, 3. Last evaluated: 2021-09-20. Review status: criteria provided, single submitter. Criteria: Invitae Variant Classification Sherloc (09022015). Collection method: clinical testing. Allele origin: germline.
Comment: In summary, the available evidence is currently insufficient to determine the role of this variant in disease. Therefore, it has been classified as a Variant of Uncertain Significance. Algorithms developed to predict the effect of missense changes on protein structure and function are either unavailable or do not agree on the potential impact of this missense change (SIFT: "Tolerated"; PolyPhen-2: "Possibly Damaging"; Align-GVGD: "Class C0"). This variant has not been reported in the literature in individuals affected with EGLN1-related conditions. This variant is not present in population databases (ExAC no frequency). This sequence change replaces valine with leucine at codon 199 of the EGLN1 protein (p.Val199Leu). The valine residue is moderately conserved and there is a small physicochemical difference between valine and leucine.

NM_022051.3(EGLN1):c.595G>T (p.Val199Leu)

Gene: EGLN1 (egl-9 family hypoxia inducible factor 1; minus strand). Cytogenetic location: 1q42.2.
Variant type: single nucleotide variant.
Coding change: c.595G>T on transcript NM_022051.3 (MANE Select); coding-DNA position 595, G replaced by T.
Protein change: p.Val199Leu; replaces valine 199 with leucine.
Molecular consequence: missense variant.
Genome position (GRCh38, 1-based): chr1:231,421,294, C>A on the plus strand (G>T on the coding strand, the complement: EGLN1 is on the minus strand). VCF-style: chr1-231421294-C-A. GRCh37 (hg19) VCF-style: chr1-231557040-C-A.
Other names: c.595G>T, p.Val199Leu (NM_001377260.1, NM_001377261.1); short protein forms V199L.
Identifiers: ClinVar variation 1525372 (VCV001525372.6), dbSNP rs2102947196, ClinGen allele CA345236407.
Genomic context (GRCh38, chr1:231,421,294, plus strand): 5'-CGGTCTCCTTGCCGAGGAAGTCGTCCACCACACAGATGCCGTGCTTGTTCATGCACGGCA[C>A]GATGTACTCGAGCGCCAGCTTCAGCGCCGGCAGGGGCTTCGTCTGCCCGTTGGGCCGCAG-3'
Protein context (NP_071334.1, residues 189-209): PALKLALEYI[Val199Leu]PCMNKHGICV